The following is an entry in ClinVar:

NM_000742.4(CHRNA2):c.636C>A (p.Asp212Glu)

Gene: CHRNA2 (cholinergic receptor nicotinic alpha 2 subunit; minus strand). Cytogenetic location: 8p21.2.
Variant type: single nucleotide variant.
Coding change: c.636C>A on transcript NM_000742.4 (MANE Select); coding-DNA position 636, C replaced by A.
Protein change: p.Asp212Glu; replaces aspartic acid 212 with glutamic acid.
Molecular consequence: missense variant.
Genome position (GRCh38, 1-based): chr8:27,463,807, G>T on the plus strand (C>A on the coding strand, the complement: CHRNA2 is on the minus strand). VCF-style: chr8-27463807-G-T. GRCh37 (hg19) VCF-style: chr8-27321324-G-T.
Other names: c.591C>A, p.Asp197Glu (NM_001282455.2); c.159C>A, p.Asp53Glu (NM_001347705.2, NM_001347706.2); c.42C>A, p.Asp14Glu (NM_001347707.2, NM_001347708.2); short protein forms D14E, D197E, D212E, D53E.
Identifiers: ClinVar variation 1698148 (VCV001698148.2), dbSNP rs775471233, ClinGen allele CA370811159.
Genomic context (GRCh38, chr8:27,463,807, plus strand): 5'-GGCCCACTCGCCGCTCTCCCAGTAGTCCTTCAGGTCCACAGTCTGCTCCATCTGCTCCAG[G>T]TCGATCTTGGCCTTGTCATAAGTCCAGGAGCCAAACTTCATCTTGCAGTTCTGCTGGTCG-3'
Protein context (NP_000733.2, residues 202-222): GSWTYDKAKI[Asp212Glu]LEQMEQTVDL

ClinVar aggregate classification (germline): Uncertain significance (1 of 4 stars; one submission).

gnomAD v4.1: 3 of 1,614,192 alleles (0.00019%); highest among the groups gnomAD compares: South Asian, 0.0011%; no homozygotes.

Submission:

GeneDx
Classification: Uncertain significance. Last evaluated: 2022-01-19. Review status: criteria provided, single submitter. Criteria: GeneDx Variant Classification Process June 2021. Collection method: clinical testing. Allele origin: germline. Affected: yes.
Comment: Not observed at significant frequency in large population cohorts (gnomAD); In silico analysis supports that this missense variant has a deleterious effect on protein structure/function; Has not been previously published as pathogenic or benign to our knowledge